The following is an entry in ClinVar:

NM_177438.3(DICER1):c.1119A>G (p.Val373=)

Gene: DICER1 (dicer 1, ribonuclease III; minus strand). Cytogenetic location: 14q32.13.
Variant type: single nucleotide variant.
Coding change: c.1119A>G on transcript NM_177438.3 (MANE Select); coding-DNA position 1119, A replaced by G.
Protein change: p.Val373=; no amino-acid change (valine 373 retained).
Molecular consequence: synonymous variant.
Genome position (GRCh38, 1-based): chr14:95,124,453, T>C on the plus strand (A>G on the coding strand, the complement: DICER1 is on the minus strand). VCF-style: chr14-95124453-T-C. GRCh37 (hg19) VCF-style: chr14-95590790-T-C.
Other names: c.1119A>G, p.Val373= (NM_001195573.1, NM_001271282.3, NM_001291628.2 and 1 more transcripts).
Identifiers: ClinVar variation 1568667 (VCV001568667.13), dbSNP rs769274448, ClinGen allele CA7331527.

ClinVar aggregate classification (germline): Benign/Likely benign. Review status: criteria provided, multiple submitters, no conflicts (2 of 4 stars). 5 submissions from 5 submitters: Benign (1); Likely benign (4). Last evaluated 2026-04-15.

Conditions:
DICER1-related tumor predisposition. Also called: DICER1-related pleuropulmonary blastoma cancer predisposition syndrome; DICER1 syndrome. Identifiers: Orphanet 284343, MedGen C3839822, MONDO:0100216.
Hereditary cancer-predisposing syndrome. Also called: Neoplastic Syndromes, Hereditary; Tumor predisposition; Hereditary Cancer Syndrome; Hereditary neoplastic syndrome. Identifiers: Orphanet 140162, MedGen C0027672, MeSH D009386, MONDO:0015356.

Allele frequency attached by ClinVar (database versions not stated): ExAC 0.00001; gnomAD exomes 0.00001.
gnomAD v4.1: 4 of 1,614,184 alleles (0.00025%); highest among the groups gnomAD compares: South Asian, 0.0033%; no homozygotes.

Submissions (5):

Myriad Genetics, Inc.
Classification: Benign for DICER1-related tumor predisposition. Last evaluated: 2026-04-15. Review status: criteria provided, single submitter. Criteria: Myriad Autosomal Dominant, Autosomal Recessive and X-Linked Classification Criteria (2023). Collection method: clinical testing. Allele origin: unknown.
Comment: This variant is considered benign. This variant is a silent/synonymous amino acid change and it is not expected to impact splicing.

Quest Diagnostics Nichols Institute San Juan Capistrano
Classification: Likely benign. Last evaluated: 2025-04-25. Review status: criteria provided, single submitter. Criteria: Quest Diagnostics criteria. Collection method: clinical testing. Allele origin: unknown.

Labcorp Genetics (formerly Invitae), Labcorp
Classification: Likely benign for DICER1-related tumor predisposition. Last evaluated: 2025-02-06. Review status: criteria provided, single submitter. Criteria: Invitae Variant Classification Sherloc (09022015). Collection method: clinical testing. Allele origin: germline.

Sema4
Classification: Likely benign for Hereditary cancer-predisposing syndrome. Last evaluated: 2021-10-02. Review status: criteria provided, single submitter. Criteria: Sema4 Curation Guidelines. Collection method: curation. Allele origin: germline.

Ambry Genetics
Classification: Likely benign for Hereditary cancer-predisposing syndrome. Last evaluated: 2020-12-16. Review status: criteria provided, single submitter. Criteria: Ambry Variant Classification Scheme 2023. Collection method: clinical testing. Allele origin: germline.